The following is an entry in ClinVar:

NM_001360016.2(G6PD):c.1365C>T (p.Ser455=)

Gene: G6PD (glucose-6-phosphate dehydrogenase; minus strand). Cytogenetic location: Xq28.
Variant type: single nucleotide variant.
Coding change: c.1365C>T on transcript NM_001360016.2 (MANE Select); coding-DNA position 1365, C replaced by T.
Protein change: p.Ser455=; no amino-acid change (serine 455 retained).
Molecular consequence: synonymous variant.
Genome position (GRCh38, 1-based): chrX:154,532,280, G>A on the plus strand (C>T on the coding strand, the complement: G6PD is on the minus strand). VCF-style: chrX-154532280-G-A. GRCh37 (hg19) VCF-style: chrX-153760495-G-A.
Other names: c.1455C>T, p.Ser485= (NM_000402.4); c.1365C>T, p.Ser455= (NM_001042351.3); c.1365C>T (NM_001042351.1).
Identifiers: ClinVar variation 2180782 (VCV002180782.5), dbSNP rs2523261356, ClinGen allele CA519302963.

ClinVar aggregate classification (germline): Conflicting classifications of pathogenicity. Review status: criteria provided, conflicting classifications (1 of 4 stars). 2 submissions from 2 submitters: Uncertain significance (1); Likely benign (1). Last evaluated 2024-01-30.

Conditions:
Inborn genetic diseases. Identifiers: MedGen C0950123, MeSH D030342.
Anemia, nonspherocytic hemolytic, due to G6PD deficiency (CNSHA1). Also called: Hemolytic anemia due to G6PD deficiency; Class I glucose-6-phosphate dehydrogenase deficiency; Favism, susceptibility to; ANEMIA, CONGENITAL, NONSPHEROCYTIC HEMOLYTIC, 1. Identifiers: Orphanet 466026, MedGen C2720289, MONDO:0010480, OMIM 300908.

Allele frequency attached by ClinVar (database versions not stated): gnomAD exomes below 0.00001.
gnomAD v4.1: 4 of 1,211,391 alleles (0.00033%); highest among the groups gnomAD compares: African/African-American, 0.0017%; no homozygotes.

Submissions (2):

Ambry Genetics
Classification: Likely benign for Inborn genetic diseases. Last evaluated: 2024-01-30. Review status: criteria provided, single submitter. Criteria: Ambry Variant Classification Scheme 2023. Collection method: clinical testing. Allele origin: germline.

Labcorp Genetics (formerly Invitae), Labcorp
Classification: Uncertain significance for Anemia, nonspherocytic hemolytic, due to G6PD deficiency. Last evaluated: 2022-02-02. Review status: criteria provided, single submitter. Criteria: Invitae Variant Classification Sherloc (09022015). Collection method: clinical testing. Allele origin: germline.
Comment: In summary, the available evidence is currently insufficient to determine the role of this variant in disease. Therefore, it has been classified as a Variant of Uncertain Significance. Algorithms developed to predict the effect of sequence changes on RNA splicing suggest that this variant is not likely to affect RNA splicing. This variant has not been reported in the literature in individuals affected with G6PD-related conditions. This variant is not present in population databases (gnomAD no frequency). This sequence change affects codon 455 of the G6PD mRNA. It is a 'silent' change, meaning that it does not change the encoded amino acid sequence of the G6PD protein. It affects a nucleotide within the consensus splice site.